The following is an entry in ClinVar:

NM_000726.5(CACNB4):c.1358G>T (p.Arg453Leu)

Gene: CACNB4 (calcium voltage-gated channel auxiliary subunit beta 4; minus strand). Cytogenetic location: 2q23.3.
Variant type: single nucleotide variant.
Coding change: c.1358G>T on transcript NM_000726.5 (MANE Select); coding-DNA position 1358, G replaced by T.
Protein change: p.Arg453Leu; replaces arginine 453 with leucine.
Molecular consequence: missense variant.
Genome position (GRCh38, 1-based): chr2:151,839,324, C>A on the plus strand (G>T on the coding strand, the complement: CACNB4 is on the minus strand). VCF-style: chr2-151839324-C-A. GRCh37 (hg19) VCF-style: chr2-152695838-C-A.
Other names: c.1304G>T, p.Arg435Leu (NM_001005746.4); c.1256G>T, p.Arg419Leu (NM_001005747.4); c.1172G>T, p.Arg391Leu (NM_001145798.3); c.1217G>T, p.Arg406Leu (NM_001320722.3, NM_001330118.2); c.1115G>T, p.Arg372Leu (NM_001330113.2); c.704G>T, p.Arg235Leu (NM_001330114.2); c.1067G>T, p.Arg356Leu (NM_001330115.2); c.1028G>T, p.Arg343Leu (NM_001330116.2); and 1 more; short protein forms R235L, R267L, R343L, R356L, R372L, R391L, R406L, R419L.
Identifiers: ClinVar variation 1025502 (VCV001025502.9), dbSNP rs768245741, ClinGen allele CA1912355.
Genomic context (GRCh38, chr2:151,839,324, plus strand): 5'-CGGTTCCTACTCTTCCGAGCCCTTTCATTGTGATAATTTTCATCAGAGGTCATTAGACTT[C>A]GTCTTTCAATTGGAGAGTTCTCTGTGGAGTGGTTGCTGTGCCTCATTCGCTGACTCTAAA-3'
Protein context (NP_000717.2, residues 443-463): HSTENSPIER[Arg453Leu]SLMTSDENYH

ClinVar aggregate classification (germline): Uncertain significance. Review status: criteria provided, multiple submitters, no conflicts (2 of 4 stars). 2 submissions from 2 submitters: Uncertain significance (2). Last evaluated 2022-11-30.

Conditions:
Idiopathic generalized epilepsy. Also called: EIG; Generalised epilepsy. Identifiers: MedGen C0270850, MONDO:0005579, OMIM 600669.

Allele frequency attached by ClinVar (database versions not stated): gnomAD 0.00005; TOPMed 0.00008.
gnomAD v4.1: 8 of 1,612,856 alleles (0.0005%); highest among the groups gnomAD compares: African/African-American, 0.011%; no homozygotes.

Submissions (2):

Ambry Genetics
Classification: Uncertain significance. Last evaluated: 2022-11-30. Review status: criteria provided, single submitter. Criteria: Ambry Variant Classification Scheme 2023. Collection method: clinical testing. Allele origin: germline.

Labcorp Genetics (formerly Invitae), Labcorp
Classification: Uncertain significance for Idiopathic generalized epilepsy. Last evaluated: 2020-03-23. Review status: criteria provided, single submitter. Criteria: Invitae Variant Classification Sherloc (09022015). Collection method: clinical testing. Allele origin: germline.
Comment: This sequence change replaces arginine with leucine at codon 453 of the CACNB4 protein (p.Arg453Leu). The arginine residue is moderately conserved and there is a moderate physicochemical difference between arginine and leucine. This variant is present in population databases (rs768245741, ExAC 0.01%). This variant has not been reported in the literature in individuals with CACNB4-related disease. Algorithms developed to predict the effect of missense changes on protein structure and function (SIFT, PolyPhen-2, Align-GVGD) all suggest that this variant is likely to be tolerated, but these predictions have not been confirmed by published functional studies and their clinical significance is uncertain. In summary, the available evidence is currently insufficient to determine the role of this variant in disease. Therefore, it has been classified as a Variant of Uncertain Significance.